The following is an entry in ClinVar:

NM_000090.4(COL3A1):c.2445+5G>A

Genes: COL3A1 (collagen type III alpha 1 chain; plus strand), LOC126806446 (P300/CBP strongly-dependent group 1 enhancer GRCh37_chr2:189866210-189867409; plus strand). Cytogenetic location: 2q32.2.
Variant type: single nucleotide variant.
Coding change: c.2445+5G>A on transcript NM_000090.4 (MANE Select); 5 bases into the intron after coding-DNA position 2445, G replaced by A.
Molecular consequence: intron variant.
Genome position (GRCh38, 1-based): chr2:189,002,356, G>A. VCF-style: chr2-189002356-G-A. GRCh37 (hg19) VCF-style: chr2-189867082-G-A.
Identifiers: ClinVar variation 101368 (VCV000101368.12), dbSNP rs587779636, ClinGen allele CA005392.

ClinVar aggregate classification (germline): Uncertain significance. Review status: criteria provided, multiple submitters, no conflicts (2 of 4 stars). 3 submissions from 3 submitters: Uncertain significance (2). 1 of the submissions does not count toward it. Last evaluated 2024-04-10.

Conditions:
Ehlers-Danlos syndrome, type 4 (EDSVASC). Also called: Ehlers-Danlos syndrome vascular type; Ehlers Danlos syndrome, ecchymotic type; Ehlers Danlos syndrome, arterial type; Ehlers Danlos syndrome, Sack-Barabas type; Ehlers-Danlos Syndrome Type IV. Identifiers: Orphanet 286, MedGen C0268338, MONDO:0017314, OMIM 130050.

Submissions (3):

GeneDx
Classification: Uncertain significance. Last evaluated: 2024-04-10. Review status: criteria provided, single submitter. Criteria: GeneDx Variant Classification Process June 2021. Collection method: clinical testing. Allele origin: germline. Affected: yes.
Comment: Intronic +5 splice site variant in a gene for which loss of function is a known mechanism of disease, and both splice predictors and evolutionary conservation support a deleterious effect, although in the absence of functional evidence the actual effect of this sequence change is unknown; Not observed at significant frequency in large population cohorts (gnomAD); This variant is associated with the following publications: (PMID: 24922459, 30793832)

Labcorp Genetics (formerly Invitae), Labcorp
Classification: Uncertain significance for Ehlers-Danlos syndrome, type 4. Last evaluated: 2018-09-03. Review status: criteria provided, single submitter. Criteria: Invitae Variant Classification Sherloc (09022015). Collection method: clinical testing. Allele origin: germline.
Comment: This sequence change falls in intron 35 of the COL3A1 gene. It does not directly change the encoded amino acid sequence of the COL3A1 protein, but it affects a nucleotide within the consensus splice site of the intron. This variant is not present in population databases (ExAC no frequency). This variant has been observed in individuals affected with vascular Ehlers-Danlos syndrome or clinical features of this disease (PMID: 24922459, Invitae). ClinVar contains an entry for this variant (Variation ID: 101368). Nucleotide substitutions within the consensus splice site are a relatively common cause of aberrant splicing (PMID: 17576681, 9536098). Algorithms developed to predict the effect of sequence changes on RNA splicing suggest that this variant may disrupt the consensus splice site, but this prediction has not been confirmed by published transcriptional studies. In summary, the available evidence is currently insufficient to determine the role of this variant in disease. Therefore, it has been classified as a Variant of Uncertain Significance.

Collagen Diagnostic Laboratory, University of Washington
Classification: Pathogenic for Ehlers-Danlos syndrome, type 4. Review status: no assertion criteria provided. Collection method: clinical testing. Allele origin: germline. Affected: yes. Not counted in ClinVar's aggregate classification.

Literature cited by the submitters: PubMed 24922459 (cited by Labcorp Genetics (formerly Invitae), Labcorp); PubMed 17576681 (cited by Labcorp Genetics (formerly Invitae), Labcorp); PubMed 9536098 (cited by Labcorp Genetics (formerly Invitae), Labcorp); PubMed 10706896 (cited by Collagen Diagnostic Laboratory, University of Washington).